The following is an entry in ClinVar:

NM_002522.4(NPTX1):c.1109A>C (p.Gln370Pro)

Gene: NPTX1 (neuronal pentraxin 1; minus strand). Cytogenetic location: 17q25.3.
Variant type: single nucleotide variant.
Coding change: c.1109A>C on transcript NM_002522.4 (MANE Select); coding-DNA position 1109, A replaced by C.
Protein change: p.Gln370Pro; replaces glutamine 370 with proline.
Molecular consequence: missense variant.
Genome position (GRCh38, 1-based): chr17:80,471,003, T>G on the plus strand (A>C on the coding strand, the complement: NPTX1 is on the minus strand). VCF-style: chr17-80471003-T-G. GRCh37 (hg19) VCF-style: chr17-78444803-T-G.
Other names: short protein forms Q370P.
Identifiers: ClinVar variation 4070878 (VCV004070878.1).

ClinVar aggregate classification (germline): Uncertain significance (1 of 4 stars; one submission).

Submission:

GeneDx
Classification: Uncertain significance. Last evaluated: 2025-01-19. Review status: criteria provided, single submitter. Criteria: GeneDx Variant Classification Process June 2021. Collection method: clinical testing. Allele origin: germline. Affected: yes.
Comment: Not observed at significant frequency in large population cohorts (gnomAD); In silico analysis supports that this missense variant has a deleterious effect on protein structure/function; Has not been previously published as pathogenic or benign to our knowledge